The following is an entry in ClinVar:

ClinVar aggregate classification (germline): Uncertain significance (1 of 4 stars; one submission).

Conditions:
Desmin-related myofibrillar myopathy (MFM1). Also called: Desminopathy; Desmin related myopathy (former name); Desmin storage myopathy (former name); MYOFIBRILLAR MYOPATHY WITH ARRHYTHMOGENIC RIGHT VENTRICULAR CARDIOMYOPATHY; DESMIN-RELATED MYOPATHY WITH ARRHYTHMOGENIC RIGHT VENTRICULAR CARDIOMYOPATHY; Myofibrillar myopathy 1. Identifiers: Orphanet 363543, Orphanet 98909, MedGen C1832370, MONDO:0011076, OMIM 601419.

Allele frequency attached by ClinVar (database versions not stated): gnomAD exomes below 0.00001.
gnomAD v4.1: 2 of 1,614,100 alleles (0.00012%); highest among the groups gnomAD compares: African/African-American, 0.0027%; no homozygotes.

Submission:

Labcorp Genetics (formerly Invitae), Labcorp
Classification: Uncertain significance for Desmin-related myofibrillar myopathy. Last evaluated: 2023-11-05. Review status: criteria provided, single submitter. Criteria: Invitae Variant Classification Sherloc (09022015). Collection method: clinical testing. Allele origin: germline.
Comment: This sequence change replaces glutamic acid, which is acidic and polar, with lysine, which is basic and polar, at codon 291 of the DES protein (p.Glu291Lys). This variant is not present in population databases (gnomAD no frequency). This variant has not been reported in the literature in individuals affected with DES-related conditions. Advanced modeling of protein sequence and biophysical properties (such as structural, functional, and spatial information, amino acid conservation, physicochemical variation, residue mobility, and thermodynamic stability) has been performed at Invitae for this missense variant, however the output from this modeling did not meet the statistical confidence thresholds required to predict the impact of this variant on DES protein function. In summary, the available evidence is currently insufficient to determine the role of this variant in disease. Therefore, it has been classified as a Variant of Uncertain Significance.

NM_001927.4(DES):c.871G>A (p.Glu291Lys)

Gene: DES (desmin; plus strand). Cytogenetic location: 2q35.
Variant type: single nucleotide variant.
Coding change: c.871G>A on transcript NM_001927.4 (MANE Select); coding-DNA position 871, G replaced by A.
Protein change: p.Glu291Lys; replaces glutamic acid 291 with lysine.
Molecular consequence: missense variant. On other transcripts: intron variant (1).
Genome position (GRCh38, 1-based): chr2:219,420,630, G>A. VCF-style: chr2-219420630-G-A. GRCh37 (hg19) VCF-style: chr2-220285352-G-A.
Other names: c.868G>A, p.Glu290Lys (NM_001382708.1); c.871G>A, p.Glu291Lys (NM_001382710.1, NM_001382711.1, NM_001382712.1); c.601G>A, p.Glu201Lys (NM_001382713.1); c.735+284G>A (NM_001382709.1); short protein forms E290K, E201K, E291K.
Identifiers: ClinVar variation 2937940 (VCV002937940.3), dbSNP rs2545252532, ClinGen allele CA350691741.
Genomic context (GRCh38, chr2:219,420,630, plus strand): 5'-ACTGCCGCCCTCAGGGACATCCGGGCTCAGTATGAGACCATCGCGGCTAAGAACATTTCT[G>A]AAGCTGAGGAGTGGTACAAGTCGAAGGTGGGTGGCCTCGCCCGGGGACTGGCATCTCCGT-3'
Protein context (NP_001918.3, residues 281-301): YETIAAKNIS[Glu291Lys]AEEWYKSKVS